The following is an entry in ClinVar:

NM_001009944.3(PKD1):c.3477C>G (p.Tyr1159Ter)

Gene: PKD1 (polycystin 1, transient receptor potential channel interacting; minus strand). Cytogenetic location: 16p13.3.
Variant type: single nucleotide variant.
Coding change: c.3477C>G on transcript NM_001009944.3 (MANE Select); coding-DNA position 3477, C replaced by G.
Protein change: p.Tyr1159Ter; replaces tyrosine 1159 with a stop codon.
Molecular consequence: nonsense.
Genome position (GRCh38, 1-based): chr16:2,111,690, G>C on the plus strand (C>G on the coding strand, the complement: PKD1 is on the minus strand). VCF-style: chr16-2111690-G-C. GRCh37 (hg19) VCF-style: chr16-2161691-G-C.
Other names: c.3477C>G, p.Tyr1159Ter (NM_000296.4); short protein forms Y1159*.
Identifiers: ClinVar variation 3773883 (VCV003773883.2).

ClinVar aggregate classification (germline): Pathogenic. Review status: criteria provided, multiple submitters, no conflicts (2 of 4 stars). 2 submissions from 2 submitters: Pathogenic (2). Last evaluated 2024-09-18.

Conditions:
Polycystic kidney disease, adult type (PKD1). Also called: Polycystic Kidney, Autosomal Dominant; POLYCYSTIC KIDNEY DISEASE 1 WITH OR WITHOUT POLYCYSTIC LIVER DISEASE; Polycystic Kidney Disease 1, Autosomal Dominant; Polycystic kidney disease 1; Polycystic kidney disease 1, severe; POLYCYSTIC KIDNEY DISEASE, ADULT, TYPE I. Identifiers: MedGen C3149841, MONDO:0008263, OMIM 173900.

Submissions (2):

GeneDx
Classification: Pathogenic. Last evaluated: 2024-09-18. Review status: criteria provided, single submitter. Criteria: GeneDx Variant Classification Process June 2021. Collection method: clinical testing. Allele origin: germline. Affected: yes.
Comment: Identified in individuals with polycystic kidney disease in published literature (PMID: 22508176, 35606766); Nonsense variant predicted to result in protein truncation or nonsense mediated decay in a gene for which loss of function is a known mechanism of disease; Not observed at significant frequency in large population cohorts (gnomAD); This variant is associated with the following publications: (PMID: 35606766, 22508176)

Department of Pathology and Laboratory Medicine, Sinai Health System
Classification: Pathogenic for Polycystic kidney disease, adult type. Last evaluated: 2020-03-12. Review status: criteria provided, single submitter. Criteria: ACMG Guidelines, 2015. Collection method: clinical testing. Allele origin: germline. Affected: yes.

Literature cited by the submitters: PubMed 22508176 (cited by Department of Pathology and Laboratory Medicine, Sinai Health System).